The following is an entry in ClinVar:

ClinVar aggregate classification (germline): Uncertain significance (1 of 4 stars; one submission).

Conditions:
Developmental and epileptic encephalopathy, 23 (DEE23). Also called: Epileptic encephalopathy, early infantile, 23. Identifiers: Orphanet 411986, MedGen C4014492, MONDO:0014371, OMIM 615859.

Submission:

Labcorp Genetics (formerly Invitae), Labcorp
Classification: Uncertain significance for Developmental and epileptic encephalopathy, 23. Last evaluated: 2021-11-24. Review status: criteria provided, single submitter. Criteria: Invitae Variant Classification Sherloc (09022015). Collection method: clinical testing. Allele origin: germline.
Comment: This variant has not been reported in the literature in individuals affected with DOCK7-related conditions. Algorithms developed to predict the effect of missense changes on protein structure and function are either unavailable or do not agree on the potential impact of this missense change (SIFT: "Deleterious"; PolyPhen-2: "Benign"; Align-GVGD: "Class C0"). In summary, the available evidence is currently insufficient to determine the role of this variant in disease. Therefore, it has been classified as a Variant of Uncertain Significance. This variant is not present in population databases (gnomAD no frequency). This sequence change replaces valine, which is neutral and non-polar, with isoleucine, which is neutral and non-polar, at codon 1090 of the DOCK7 protein (p.Val1090Ile).

NM_001367561.1(DOCK7):c.3268G>A (p.Val1090Ile)

Gene: DOCK7 (dedicator of cytokinesis 7; minus strand). Cytogenetic location: 1p31.3.
Variant type: single nucleotide variant.
Coding change: c.3268G>A on transcript NM_001367561.1 (MANE Select); coding-DNA position 3268, G replaced by A.
Protein change: p.Val1090Ile; replaces valine 1090 with isoleucine.
Molecular consequence: missense variant.
Genome position (GRCh38, 1-based): chr1:62,539,577, C>T on the plus strand (G>A on the coding strand, the complement: DOCK7 is on the minus strand). VCF-style: chr1-62539577-C-T. GRCh37 (hg19) VCF-style: chr1-63005248-C-T.
Other names: c.3268G>A, p.Val1090Ile (NM_001271999.2, NM_001330614.2); c.3175G>A, p.Val1059Ile (NM_001272000.2, NM_001272001.2, NM_033407.4); short protein forms V1059I, V1090I.
Identifiers: ClinVar variation 1427386 (VCV001427386.6), dbSNP rs765410448, ClinGen allele CA340608509.
Genomic context (GRCh38, chr1:62,539,577, plus strand): 5'-TTACTAATTATTCCTAACTATGCATTACCTGTTTATAGCAGGACTTTATAAGGCTAAAAA[C>T]AAATCCTCTGTCCATAACAGACAACAGATCATTGAGAAAGAATGCAAGGCTTGTATTGAG-3'
Protein context (NP_001354490.1, residues 1080-1100): DLLSVMDRGF[Val1090Ile]FSLIKSCYKQ